The following is an entry in ClinVar:

NM_001365088.1(SLC12A6):c.2230C>T (p.Arg744Ter)

Gene: SLC12A6 (solute carrier family 12 member 6; minus strand). Cytogenetic location: 15q14.
Variant type: single nucleotide variant.
Coding change: c.2230C>T on transcript NM_001365088.1 (MANE Select); coding-DNA position 2230, C replaced by T.
Protein change: p.Arg744Ter; replaces arginine 744 with a stop codon.
Molecular consequence: nonsense.
Genome position (GRCh38, 1-based): chr15:34,241,270, G>A on the plus strand (C>T on the coding strand, the complement: SLC12A6 is on the minus strand). VCF-style: chr15-34241270-G-A. GRCh37 (hg19) VCF-style: chr15-34533471-G-A.
Other names: c.2053C>T, p.Arg685Ter (NM_001042494.2, NM_001042495.2); c.2203C>T, p.Arg735Ter (NM_001042496.2); c.2185C>T, p.Arg729Ter (NM_001042497.2); c.2077C>T, p.Arg693Ter (NM_005135.2); c.2230C>T, p.Arg744Ter (NM_133647.2); c.2230C>T (NM_133647.1); short protein forms R693*, R729*, R744*, R685*, R735*.
Identifiers: ClinVar variation 1029940 (VCV001029940.8), dbSNP rs751184319, ClinGen allele CA7464124.

ClinVar aggregate classification (germline): Pathogenic/Likely pathogenic. Review status: criteria provided, multiple submitters, no conflicts (2 of 4 stars). 4 submissions from 4 submitters: Pathogenic (2); Likely pathogenic (2). Last evaluated 2025-07-14.

Conditions:
Agenesis of the corpus callosum with peripheral neuropathy (ACCPN). Also called: POLYNEUROPATHY, SENSORIMOTOR, WITH OR WITHOUT AGENESIS OF THE CORPUS CALLOSUM; HMSN/ACC; CHARLEVOIX DISEASE; Hereditary Motor and Sensory Neuropathy with Agenesis of the Corpus Callosum. Identifiers: Orphanet 1496, MedGen C0795950, MONDO:0000902, OMIM 218000. Disease mechanism: loss of function.

Allele frequency attached by ClinVar (database versions not stated): TOPMed below 0.00001; gnomAD exomes 0.00001 and 0.00002; ExAC 0.00003.
gnomAD v4.1: 15 of 1,609,298 alleles (0.00093%); highest among the groups gnomAD compares: Admixed American, 0.0083%; no homozygotes.

Submissions (4):

Labcorp Genetics (formerly Invitae), Labcorp
Classification: Pathogenic. Last evaluated: 2025-07-14. Review status: criteria provided, single submitter. Criteria: Invitae Variant Classification Sherloc (09022015). Collection method: clinical testing. Allele origin: germline.
Comment: This sequence change creates a premature translational stop signal (p.Arg744*) in the SLC12A6 gene. It is expected to result in an absent or disrupted protein product. Loss-of-function variants in SLC12A6 are known to be pathogenic (PMID: 12368912, 16606917). This variant is present in population databases (rs751184319, gnomAD 0.01%). This premature translational stop signal has been observed in individual(s) with a neurodevelopmental disorder (PMID: 37575640). ClinVar contains an entry for this variant (Variation ID: 1029940). For these reasons, this variant has been classified as Pathogenic.

Natera, Inc.
Classification: Likely pathogenic for Andermann syndrome. Last evaluated: 2025-05-27. Review status: criteria provided, single submitter. Criteria: Natera Variant Classification Schema (03/2026). Collection method: clinical testing. Allele origin: germline.
Comment: The c.2230C>T variant in SLC12A6 is a nonsense variant predicted to introduce a stop codon at amino acid 744. This variant is expected to result in nonsense mediated decay, truncation, or a dysfunctional protein product. This variant is rare in the general population with a frequency below the threshold expected for the associated phenotype(s). Given the available evidence, this variant is classified as Likely Pathogenic.

Baylor Genetics
Classification: Likely pathogenic for Agenesis of the corpus callosum with peripheral neuropathy. Last evaluated: 2024-03-19. Review status: criteria provided, single submitter. Criteria: ACMG Guidelines, 2015. Collection method: clinical testing. Allele origin: unknown.

Fulgent Genetics
Classification: Pathogenic for Agenesis of the corpus callosum with peripheral neuropathy. Last evaluated: 2021-12-29. Review status: criteria provided, single submitter. Criteria: ACMG Guidelines, 2015. Collection method: clinical testing. Allele origin: unknown.

Literature cited by the submitters: PubMed 12368912 (cited by Labcorp Genetics (formerly Invitae), Labcorp); PubMed 16606917 (cited by Labcorp Genetics (formerly Invitae), Labcorp); PubMed 37575640 (cited by Labcorp Genetics (formerly Invitae), Labcorp).